The following is an entry in ClinVar:

NM_006767.4(LZTR1):c.2347A>C (p.Thr783Pro)

Gene: LZTR1 (leucine zipper like post translational regulator 1; plus strand). Cytogenetic location: 22q11.21.
Variant type: single nucleotide variant.
Coding change: c.2347A>C on transcript NM_006767.4 (MANE Select); coding-DNA position 2347, A replaced by C.
Protein change: p.Thr783Pro; replaces threonine 783 with proline.
Molecular consequence: missense variant.
Genome position (GRCh38, 1-based): chr22:20,996,907, A>C. VCF-style: chr22-20996907-A-C. GRCh37 (hg19) VCF-style: chr22-21351196-A-C.
Other names: short protein forms T783P.
Identifiers: ClinVar variation 3238232 (VCV003238232.1), dbSNP rs1924877001.

ClinVar aggregate classification (germline): Uncertain significance (1 of 4 stars; one submission).

Conditions:
Hereditary cancer-predisposing syndrome. Also called: Neoplastic Syndromes, Hereditary; Tumor predisposition; Hereditary neoplastic syndrome; Hereditary Cancer Syndrome. Identifiers: Orphanet 140162, MedGen C0027672, MeSH D009386, MONDO:0015356.
Cardiovascular phenotype. Identifiers: MedGen CN230736.

Allele frequency attached by ClinVar (database versions not stated): TOPMed below 0.00001.

Submission:

Ambry Genetics
Classification: Uncertain significance for Cardiovascular phenotype; Hereditary cancer-predisposing syndrome. Last evaluated: 2023-04-19. Review status: criteria provided, single submitter. Criteria: Ambry Variant Classification Scheme 2023. Collection method: clinical testing. Allele origin: germline.
Comment: The p.T783P variant (also known as c.2347A>C), located in coding exon 20 of the LZTR1 gene, results from an A to C substitution at nucleotide position 2347. The threonine at codon 783 is replaced by proline, an amino acid with highly similar properties. This amino acid position is conserved. In addition, this alteration is predicted to be deleterious by in silico analysis. Since supporting evidence is limited at this time, the clinical significance of this alteration remains unclear.